The following is an entry in ClinVar:

ClinVar aggregate classification (germline): Likely benign (1 of 4 stars; one submission).

gnomAD v4.1: 5,369 of 1,613,424 alleles (0.33%); highest among the groups gnomAD compares: Non-Finnish European, 0.35%; 11 homozygotes.

Submission:

CeGaT Center for Human Genetics Tuebingen
Classification: Likely benign. Last evaluated: 2026-06-01. Review status: criteria provided, single submitter. Criteria: CeGaT Center For Human Genetics Tuebingen Variant Classification Criteria Version 2. Collection method: clinical testing. Allele origin: germline. Affected: yes. Observed: 2 variant alleles.
Comment: CELF4: BP4, BP7

NM_020180.4(CELF4):c.399G>A (p.Ala133=)

Gene: CELF4 (CUGBP Elav-like family member 4; minus strand). Cytogenetic location: 18q12.2.
Variant type: single nucleotide variant.
Coding change: c.399G>A on transcript NM_020180.4 (MANE Select); coding-DNA position 399, G replaced by A.
Protein change: p.Ala133=; no amino-acid change (alanine 133 retained).
Molecular consequence: synonymous variant. On other transcripts: non-coding transcript variant (11).
Genome position (GRCh38, 1-based): chr18:37,321,852, C>T on the plus strand (G>A on the coding strand, the complement: CELF4 is on the minus strand). VCF-style: chr18-37321852-C-T. GRCh37 (hg19) VCF-style: chr18-34901815-C-T.
Other names: c.399G>A, p.Ala133= (NM_001353709.2, NM_001353710.2, NM_001353711.2 and 60 more transcripts); c.30G>A, p.Ala10= (NM_001353756.2, NM_001353757.2, NM_001353758.2 and 3 more transcripts).
Identifiers: ClinVar variation 4681313 (VCV004681313.5).